The following is an entry in ClinVar:

ClinVar aggregate classification (germline): Likely benign. Review status: criteria provided, single submitter (1 of 4 stars). 2 submissions from 2 submitters: Likely benign (1). 1 of the submissions does not count toward it. Last evaluated 2022-10-01.

Conditions:
DNAH2-related disorder. Also called: DNAH2-related condition.

Allele frequency attached by ClinVar (database versions not stated): gnomAD exomes 0.00054; ExAC 0.00146; ESP Exome Variant Server 0.00246; gnomAD 0.00250; TOPMed 0.00292; 1000 Genomes Project 0.00459; 1000 Genomes Project 30x 0.00468.
gnomAD v4.1: 1,216 of 1,614,166 alleles (0.075%); highest among the groups gnomAD compares: African/African-American, 0.74%; 3 homozygotes.

Submissions (2):

CeGaT Center for Human Genetics Tuebingen
Classification: Likely benign. Last evaluated: 2022-10-01. Review status: criteria provided, single submitter. Criteria: CeGaT Center For Human Genetics Tuebingen Variant Classification Criteria Version 2. Collection method: clinical testing. Allele origin: germline. Affected: yes. Observed: 3 variant alleles.
Comment: DNAH2: BP4, BP7

PreventionGenetics, part of Exact Sciences
Classification: Likely benign for DNAH2-related condition. Last evaluated: 2019-03-12. Review status: no assertion criteria provided. Collection method: clinical testing. Allele origin: germline. Not counted in ClinVar's aggregate classification.
Comment: This variant is classified as likely benign based on ACMG/AMP sequence variant interpretation guidelines (Richards et al. 2015 PMID: 25741868, with internal and published modifications).

NM_020877.5(DNAH2):c.10062C>T (p.Ile3354=)

Gene: DNAH2 (dynein axonemal heavy chain 2; plus strand). Cytogenetic location: 17p13.1.
Variant type: single nucleotide variant.
Coding change: c.10062C>T on transcript NM_020877.5 (MANE Select); coding-DNA position 10062, C replaced by T.
Protein change: p.Ile3354=; no amino-acid change (isoleucine 3354 retained).
Molecular consequence: synonymous variant.
Genome position (GRCh38, 1-based): chr17:7,817,602, C>T. VCF-style: chr17-7817602-C-T. GRCh37 (hg19) VCF-style: chr17-7720920-C-T.
Identifiers: ClinVar variation 2647385 (VCV002647385.25), dbSNP rs78005021, ClinGen allele CA8358934.